The following is an entry in ClinVar:

ClinVar aggregate classification (germline): Uncertain significance (1 of 4 stars; one submission).

Submission:

CeGaT Center for Human Genetics Tuebingen
Classification: Uncertain significance. Last evaluated: 2025-05-01. Review status: criteria provided, single submitter. Criteria: CeGaT Center For Human Genetics Tuebingen Variant Classification Criteria Version 2. Collection method: clinical testing. Allele origin: germline. Affected: yes. Observed: 1 variant allele.
Comment: KCNQ2: PM2, BP7

NM_172107.4(KCNQ2):c.909C>A (p.Ser303=)

Gene: KCNQ2 (potassium voltage-gated channel subfamily Q member 2; minus strand). Cytogenetic location: 20q13.33.
Variant type: single nucleotide variant.
Coding change: c.909C>A on transcript NM_172107.4 (MANE Select); coding-DNA position 909, C replaced by A.
Protein change: p.Ser303=; no amino-acid change (serine 303 retained).
Molecular consequence: synonymous variant.
Genome position (GRCh38, 1-based): chr20:63,439,616, G>T on the plus strand (C>A on the coding strand, the complement: KCNQ2 is on the minus strand). VCF-style: chr20-63439616-G-T. GRCh37 (hg19) VCF-style: chr20-62070969-G-T.
Other names: c.909C>A, p.Ser303= (NM_001382235.1, NM_004518.6, NM_172106.3 and 2 more transcripts).
Identifiers: ClinVar variation 3905859 (VCV003905859.10).
Genomic context (GRCh38, chr20:63,439,616, plus strand): 5'-ACCTCGTCCCCCTCCAAGGCAGGCAGGGGCAGCTGGACTTACTGCAGGCAGCGCGAAGAA[G>T]GAGACACCGATGAGGGTGAAGGTTGCCGCAAGGAGCCTGCCGTTCCAGGTCTGGGGGTAC-3'
Protein context (NP_742105.1, residues 293-313): LAATFTLIGV[Ser303=]FFALPAGILG